The following is an entry in ClinVar:

ClinVar aggregate classification (germline): Uncertain significance (1 of 4 stars; one submission).

gnomAD v4.1: 4 of 1,206,725 alleles (0.00033%); highest among the groups gnomAD compares: Admixed American, 0.0087%; no homozygotes.

Submission:

Ambry Genetics
Classification: Uncertain significance. Last evaluated: 2026-08-05. Review status: criteria provided, single submitter. Criteria: Ambry Variant Classification Scheme 2023. Collection method: clinical testing. Allele origin: germline.
Comment: The c.706C>T (p.P236S) alteration is located in exon 7 (coding exon 7) of the MPP1 gene. This alteration results from a C to T substitution at nucleotide position 706, causing the proline (P) at amino acid position 236 to be replaced by a serine (S). Based on data from gnomAD, the T allele has an overall frequency of 0.001% (1/179133) total alleles studied. The highest observed frequency was 0.004% (1/27092) of Latino alleles. Based on insufficient or conflicting evidence, the clinical significance of this alteration remains unclear.

NM_002436.4(MPP1):c.706C>T (p.Pro236Ser)

Gene: MPP1 (MAGUK p55 scaffold protein 1; minus strand). Cytogenetic location: Xq28.
Variant type: single nucleotide variant.
Coding change: c.706C>T on transcript NM_002436.4 (MANE Select); coding-DNA position 706, C replaced by T.
Protein change: p.Pro236Ser; replaces proline 236 with serine.
Molecular consequence: missense variant.
Genome position (GRCh38, 1-based): chrX:154,785,129, G>A on the plus strand (C>T on the coding strand, the complement: MPP1 is on the minus strand). VCF-style: chrX-154785129-G-A. GRCh37 (hg19) VCF-style: chrX-154013404-G-A.
Other names: c.655C>T, p.Pro219Ser (NM_001166460.2); c.646C>T, p.Pro216Ser (NM_001166461.2); c.616C>T, p.Pro206Ser (NM_001166462.2); short protein forms P206S, P216S, P219S, P236S.
Identifiers: ClinVar variation 5024671 (VCV005024671.1).